The following is an entry in ClinVar:

NM_001330260.2(SCN8A):c.3733C>A (p.Leu1245Met)

Gene: SCN8A (sodium voltage-gated channel alpha subunit 8; plus strand). Cytogenetic location: 12q13.13.
Variant type: single nucleotide variant.
Coding change: c.3733C>A on transcript NM_001330260.2 (MANE Select); coding-DNA position 3733, C replaced by A.
Protein change: p.Leu1245Met; replaces leucine 1245 with methionine.
Molecular consequence: missense variant.
Genome position (GRCh38, 1-based): chr12:51,774,276, C>A. VCF-style: chr12-51774276-C-A. GRCh37 (hg19) VCF-style: chr12-52168060-C-A.
Other names: c.3733C>A, p.Leu1245Met (NM_001177984.3, NM_001369788.1, NM_014191.4); short protein forms L1245M.
Identifiers: ClinVar variation 3708161 (VCV003708161.2).

ClinVar aggregate classification (germline): Uncertain significance (1 of 4 stars; one submission).

Conditions:
Early-infantile DEE. Also called: Early infantile epileptic encephalopathy; Early infantile epileptic encephalopathy with suppression bursts; Ohtahara syndrome. Identifiers: Orphanet 1934, MedGen C0393706, MONDO:0800491.

gnomAD v4.1: 3 of 1,613,972 alleles (0.00019%); highest among the groups gnomAD compares: African/African-American, 0.004%; no homozygotes.

Submission:

Labcorp Genetics (formerly Invitae), Labcorp
Classification: Uncertain significance for Early-infantile DEE. Last evaluated: 2024-09-09. Review status: criteria provided, single submitter. Criteria: Invitae Variant Classification Sherloc (09022015). Collection method: clinical testing. Allele origin: germline.
Comment: This sequence change replaces leucine, which is neutral and non-polar, with methionine, which is neutral and non-polar, at codon 1245 of the SCN8A protein (p.Leu1245Met). This variant is present in population databases (rs373513696, gnomAD 0.007%). This variant has not been reported in the literature in individuals affected with SCN8A-related conditions. Invitae Evidence Modeling of protein sequence and biophysical properties (such as structural, functional, and spatial information, amino acid conservation, physicochemical variation, residue mobility, and thermodynamic stability) indicates that this missense variant is expected to disrupt SCN8A protein function with a positive predictive value of 80%. In summary, the available evidence is currently insufficient to determine the role of this variant in disease. Therefore, it has been classified as a Variant of Uncertain Significance.